The following is an entry in ClinVar:

ClinVar aggregate classification (germline): Uncertain significance (1 of 4 stars; one submission).

gnomAD v4.1: 2 of 1,614,014 alleles (0.00012%); highest among the groups gnomAD compares: African/African-American, 0.0027%; no homozygotes.

Submission:

Ambry Genetics
Classification: Uncertain significance. Last evaluated: 2025-12-28. Review status: criteria provided, single submitter. Criteria: Ambry Variant Classification Scheme 2023. Collection method: clinical testing. Allele origin: germline.
Comment: The p.E742V variant (also known as c.2225A>T), located in coding exon 8 of the RNF43 gene, results from an A to T substitution at nucleotide position 2225. The glutamic acid at codon 742 is replaced by valine, an amino acid with dissimilar properties. This amino acid position is conserved. In addition, this alteration is predicted to be tolerated by in silico analysis. Based on the available evidence, the clinical significance of this variant remains unclear.

NM_017763.6(RNF43):c.2225A>T (p.Glu742Val)

Gene: RNF43 (ring finger protein 43; minus strand). Cytogenetic location: 17q22.
Variant type: single nucleotide variant.
Coding change: c.2225A>T on transcript NM_017763.6 (MANE Select); coding-DNA position 2225, A replaced by T.
Protein change: p.Glu742Val; replaces glutamic acid 742 with valine.
Molecular consequence: missense variant.
Genome position (GRCh38, 1-based): chr17:58,357,551, T>A on the plus strand (A>T on the coding strand, the complement: RNF43 is on the minus strand). VCF-style: chr17-58357551-T-A. GRCh37 (hg19) VCF-style: chr17-56434912-T-A.
Other names: c.2225A>T, p.Glu742Val (NM_001305544.3, NM_001438820.1, NM_001438821.1 and 1 more transcripts); c.1844A>T, p.Glu615Val (NM_001305545.2, NM_001437987.1); short protein forms E742V, E615V.
Identifiers: ClinVar variation 4841969 (VCV004841969.1).